The following is an entry in ClinVar:

ClinVar aggregate classification (germline): Uncertain significance (1 of 4 stars; one submission).

Conditions:
Baller-Gerold syndrome (BGS). Also called: CRANIOSYNOSTOSIS WITH RADIAL DEFECTS. Identifiers: Orphanet 1225, MedGen C0265308, MONDO:0009039, OMIM 218600.

Submission:

Labcorp Genetics (formerly Invitae), Labcorp
Classification: Uncertain significance for Baller-Gerold syndrome. Last evaluated: 2023-07-16. Review status: criteria provided, single submitter. Criteria: Invitae Variant Classification Sherloc (09022015). Collection method: clinical testing. Allele origin: germline.
Comment: In summary, the available evidence is currently insufficient to determine the role of this variant in disease. Therefore, it has been classified as a Variant of Uncertain Significance. ClinVar contains an entry for this variant (Variation ID: 1365169). This variant has not been reported in the literature in individuals affected with RECQL4-related conditions. This variant is not present in population databases (gnomAD no frequency). This sequence change replaces proline, which is neutral and non-polar, with leucine, which is neutral and non-polar, at codon 975 of the RECQL4 protein (p.Pro975Leu). Advanced modeling of protein sequence and biophysical properties (such as structural, functional, and spatial information, amino acid conservation, physicochemical variation, residue mobility, and thermodynamic stability) performed at Invitae indicates that this missense variant is not expected to disrupt RECQL4 protein function.

NM_004260.4(RECQL4):c.2924C>T (p.Pro975Leu)

Gene: RECQL4 (RecQ like helicase 4; minus strand). Cytogenetic location: 8q24.3.
Variant type: single nucleotide variant.
Coding change: c.2924C>T on transcript NM_004260.4 (MANE Select); coding-DNA position 2924, C replaced by T.
Protein change: p.Pro975Leu; replaces proline 975 with leucine.
Molecular consequence: missense variant.
Genome position (GRCh38, 1-based): chr8:144,512,523, G>A on the plus strand (C>T on the coding strand, the complement: RECQL4 is on the minus strand). VCF-style: chr8-144512523-G-A. GRCh37 (hg19) VCF-style: chr8-145737906-G-A.
Other names: short protein forms P975L.
Identifiers: ClinVar variation 1365169 (VCV001365169.6), dbSNP rs769194048, ClinGen allele CA372673404.